The following is an entry in ClinVar:

ClinVar aggregate classification (germline): Likely benign (3 of 4 stars; one submission).

Conditions:
Bernard Soulier syndrome (BSS). Also called: GLYCOPROTEIN Ib, PLATELET, DEFICIENCY OF; PLATELET GLYCOPROTEIN Ib DEFICIENCY; VON WILLEBRAND FACTOR RECEPTOR DEFICIENCY; Giant platelet syndrome; Hemorrhagiparous thrombocytic dystrophy; Giant platelet disease. Identifiers: Orphanet 274, MedGen C0005129, MeSH D001606, MONDO:0009276, OMIM 231200.

gnomAD v4.1: 4 of 1,523,452 alleles (0.00026%); highest among the groups gnomAD compares: Non-Finnish European, 0.00035%; no homozygotes.

Submission:

ClinGen Platelet Disorders Variant Curation Expert Panel, ClinGen
Classification: Likely benign for Bernard Soulier syndrome. Last evaluated: 2025-02-11. Review status: reviewed by expert panel. Criteria: ClinGen Platelet ACMG Specifications GP1BB V1.0.0. Collection method: curation. Allele origin: germline. Inheritance: Autosomal recessive inheritance.
Comment: The NM_000407.5(GP1BB):c.15G>A (p.Pro5=) synonymous variant is not predicted by SpliceAI to impact splicing (delta score 0.00; BP4) and the position is not highly conserved (phyloP score -0.56; BP7). The Grpmax filtering allele frequency in gnomaDv4.1 is 8.700e-7 (based on 4/1074086alleles) in the European (non-Finnish) population, which is below the <0.0000651678 threshold for PM2_supporting. This variant is classified as likely benign for autosomal recessive inheritance of Bernard-Soulier syndrome based on the ACMG/AMP criteria applied, as specified by the ClinGen PDVCEP: BP7, BP4, PM2_Supporting.

NM_000407.5(GP1BB):c.15G>A (p.Pro5=)

Genes: GP1BB (glycoprotein Ib platelet subunit beta; plus strand), SEPT5-GP1BB (SEPT5-GP1BB readthrough; plus strand). Cytogenetic location: 22q11.21.
Variant type: single nucleotide variant.
Coding change: c.15G>A on transcript NM_000407.5 (MANE Select); coding-DNA position 15, G replaced by A.
Protein change: p.Pro5=; no amino-acid change (proline 5 retained).
Molecular consequence: synonymous variant. On other transcripts: non-coding transcript variant (2).
Genome position (GRCh38, 1-based): chr22:19,723,858, G>A. VCF-style: chr22-19723858-G-A. GRCh37 (hg19) VCF-style: chr22-19711381-G-A.
Other names: NM_000407.5:c.15G>A.
Identifiers: ClinVar variation 3775053 (VCV003775053.1).
Genomic context (GRCh38, chr22:19,723,858, plus strand): 5'-AGATGTCGCCCAGGTGCCCGCCGACCGCTCGGCTTACTGCGGCGCTTCCCTTGCAGGGCC[G>A]CGCGGGGCGCTGAGCTTACTGCTCCTGCTGCTGGCCCCGCCGAGCCGCCCGGCCGCAGGT-3'
Protein context (NP_000398.1, residues 1-15): MGSG[Pro5=]RGALSLLLLL